The following is an entry in ClinVar:

NM_001159699.2(FHL1):c.812G>A (p.Cys271Tyr)

Gene: FHL1 (four and a half LIM domains 1; plus strand). Cytogenetic location: Xq26.3.
Variant type: single nucleotide variant.
Coding change: c.812G>A on transcript NM_001159699.2 (MANE Select); coding-DNA position 812, G replaced by A.
Protein change: p.Cys271Tyr; replaces cysteine 271 with tyrosine.
Molecular consequence: missense variant. On other transcripts: non-coding transcript variant (1).
Genome position (GRCh38, 1-based): chrX:136,209,946, G>A. VCF-style: chrX-136209946-G-A. GRCh37 (hg19) VCF-style: chrX-135292105-G-A.
Other names: c.764G>A, p.Cys255Tyr (NM_001159700.2, NM_001159704.1, NM_001167819.1 and 4 more transcripts); c.851G>A, p.Cys284Tyr (NM_001159701.2); c.964G>A, p.Ala322Thr (NM_001159702.3, NM_001369326.1, NM_001369327.2 and 1 more transcripts); c.577G>A, p.Ala193Thr (NM_001159703.2); c.625G>A, p.Ala209Thr (NM_001330659.2); short protein forms C255Y, A322T, C271Y, A209T, C284Y, A193T.
Identifiers: ClinVar variation 581461 (VCV000581461.9), dbSNP rs869025431, ClinGen allele CA414609787.
Genomic context (GRCh38, chrX:136,209,946, plus strand): 5'-CCAGTGTGGTGGCCTATGAAGGACAATCCTGGCACGACTACTGCTTCCACTGCAAAAAAT[G>A]CTCCGTGAATCTGGCCAACAAGCGCTTTGTTTTCCACCAGGAGCAAGTGTATTGTCCCGA-3'
Protein context (NP_001153171.1, residues 261-281): WHDYCFHCKK[Cys271Tyr]SVNLANKRFV

ClinVar aggregate classification (germline): Uncertain significance (1 of 4 stars; one submission).

Conditions:
X-linked myopathy with postural muscle atrophy. Also called: FHL1-Related Emery-Dreifuss Muscular Dystrophy, X-Linked. Identifiers: Orphanet 178461, MedGen C2678055, MONDO:0010401, OMIM 300696.

Submission:

Labcorp Genetics (formerly Invitae), Labcorp
Classification: Uncertain significance for X-linked myopathy with postural muscle atrophy. Last evaluated: 2020-08-21. Review status: criteria provided, single submitter. Criteria: Invitae Variant Classification Sherloc (09022015). Collection method: clinical testing. Allele origin: germline.
Comment: This variant is not present in population databases (ExAC no frequency). This sequence change replaces cysteine with tyrosine at codon 255 of the FHL1 protein (p.Cys255Tyr). The cysteine residue is moderately conserved and there is a large physicochemical difference between cysteine and tyrosine. This variant has not been reported in the literature in individuals with FHL1-related disease. Algorithms developed to predict the effect of missense changes on protein structure and function do not agree on the potential impact of this missense change (SIFT: "Deleterious"; PolyPhen-2: "Probably Damaging"; Align-GVGD: "Class C0"). The p.Cys255Ser amino acid residue in FHL1 has been determined to be clinically significant (PMID: 25246303, 26857240). This suggests that variants that disrupt this residue are likely to be causative of disease. In summary, the available evidence is currently insufficient to determine the role of this variant in disease. Therefore, it has been classified as a Variant of Uncertain Significance.

Literature cited by the submitters: PubMed 25246303; PubMed 26857240.